The following is an entry in ClinVar:

NM_001042702.5(PJVK):c.491G>A (p.Arg164Gln)

Gene: PJVK (pejvakin; plus strand). Cytogenetic location: 2q31.2.
Variant type: single nucleotide variant.
Coding change: c.491G>A on transcript NM_001042702.5 (MANE Select); coding-DNA position 491, G replaced by A.
Protein change: p.Arg164Gln; replaces arginine 164 with glutamine.
Molecular consequence: missense variant.
Genome position (GRCh38, 1-based): chr2:178,456,093, G>A. VCF-style: chr2-178456093-G-A. GRCh37 (hg19) VCF-style: chr2-179320820-G-A.
Other names: c.500G>A, p.Arg167Gln (NM_001353775.2); c.596G>A, p.Arg199Gln (NM_001353776.2); c.14G>A, p.Arg5Gln (NM_001353777.1, NM_001353778.2); c.491G>A, p.Arg164Gln (NM_001369912.1); c.491G>A (NM_001042702.3); short protein forms R167Q, R164Q, R199Q, R5Q.
Identifiers: ClinVar variation 2186256 (VCV002186256.2), dbSNP rs757922706, ClinGen allele CA1984208.

ClinVar aggregate classification (germline): Uncertain significance. Review status: criteria provided, multiple submitters, no conflicts (2 of 4 stars). 2 submissions from 2 submitters: Uncertain significance (2). Last evaluated 2025-04-03.

Conditions:
Inborn genetic diseases. Identifiers: MedGen C0950123, MeSH D030342.

Allele frequency attached by ClinVar (database versions not stated): ExAC 0.00005; gnomAD exomes 0.00001; gnomAD 0.00001; TOPMed 0.00002.
gnomAD v4.1: 16 of 1,614,004 alleles (0.00099%); highest among the groups gnomAD compares: South Asian, 0.0044%; no homozygotes.

Submissions (2):

Ambry Genetics
Classification: Uncertain significance for Inborn genetic diseases. Last evaluated: 2025-04-03. Review status: criteria provided, single submitter. Criteria: Ambry Variant Classification Scheme 2023. Collection method: clinical testing. Allele origin: germline.

Labcorp Genetics (formerly Invitae), Labcorp
Classification: Uncertain significance. Last evaluated: 2022-05-05. Review status: criteria provided, single submitter. Criteria: Invitae Variant Classification Sherloc (09022015). Collection method: clinical testing. Allele origin: germline.
Comment: This sequence change replaces arginine, which is basic and polar, with glutamine, which is neutral and polar, at codon 164 of the DFNB59 protein (p.Arg164Gln). This variant is present in population databases (rs757922706, gnomAD 0.01%). This variant has not been reported in the literature in individuals affected with DFNB59-related conditions. Algorithms developed to predict the effect of missense changes on protein structure and function are either unavailable or do not agree on the potential impact of this missense change (SIFT: "Deleterious"; PolyPhen-2: "Possibly Damaging"; Align-GVGD: "Class C0"). In summary, the available evidence is currently insufficient to determine the role of this variant in disease. Therefore, it has been classified as a Variant of Uncertain Significance.